The following is an entry in ClinVar:

ClinVar aggregate classification (germline): Benign/Likely benign. Review status: criteria provided, multiple submitters, no conflicts (2 of 4 stars). 2 submissions from 2 submitters: Benign (1); Likely benign (1). Last evaluated 2025-06-09.

Conditions:
Lung cancer. Also called: Lung cancer, somatic; Malignant tumor of lung. Identifiers: MedGen C0242379, MONDO:0008903, OMIM 211980.
EGFR-related lung cancer (EGFR). Identifiers: MedGen CN130014.

Submissions (2):

Labcorp Genetics (formerly Invitae), Labcorp
Classification: Likely benign for EGFR-related lung cancer. Last evaluated: 2025-06-09. Review status: criteria provided, single submitter. Criteria: Invitae Variant Classification Sherloc (09022015). Collection method: clinical testing. Allele origin: germline.

Myriad Genetics, Inc.
Classification: Benign for Lung cancer. Last evaluated: 2024-10-16. Review status: criteria provided, single submitter. Criteria: Myriad Autosomal Dominant, Autosomal Recessive and X-Linked Classification Criteria (2023). Collection method: clinical testing. Allele origin: unknown.
Comment: This variant is considered benign. This variant is a silent/synonymous amino acid change and it is not expected to impact splicing.

NM_005228.5(EGFR):c.2175G>T (p.Thr725=)

Gene: EGFR (epidermal growth factor receptor; plus strand). Cytogenetic location: 7p11.2.
Variant type: single nucleotide variant.
Coding change: c.2175G>T on transcript NM_005228.5 (MANE Select); coding-DNA position 2175, G replaced by T.
Protein change: p.Thr725=; no amino-acid change (threonine 725 retained).
Molecular consequence: synonymous variant.
Genome position (GRCh38, 1-based): chr7:55,174,034, G>T. VCF-style: chr7-55174034-G-T. GRCh37 (hg19) VCF-style: chr7-55241727-G-T.
Other names: c.2040G>T, p.Thr680= (NM_001346897.2, NM_001346899.2); c.2175G>T, p.Thr725= (NM_001346898.2); c.2016G>T, p.Thr672= (NM_001346900.2); c.1374G>T, p.Thr458= (NM_001346941.2).
Identifiers: ClinVar variation 3618663 (VCV003618663.3).